The following is an entry in ClinVar:

ClinVar aggregate classification (germline): Conflicting classifications of pathogenicity. Review status: criteria provided, conflicting classifications (1 of 4 stars). 5 submissions from 5 submitters: Uncertain significance (1); Benign (1); Likely benign (3). Last evaluated 2026-02-01.

Conditions:
SEPN1-related disorder. Also called: SEPN1-Related Disorders. Identifiers: MedGen CN239420.
Eichsfeld type congenital muscular dystrophy (CMYO3). Also called: MYOPATHY, SEPN1-RELATED; Rigid spine muscular dystrophy 1; SELENON-related myopathy; Congenital myopathy 3 with rigid spine. Identifiers: MedGen C0410180, MONDO:0100100, OMIM 602771.

Allele frequency attached by ClinVar (database versions not stated): 1000 Genomes Project 0.00040; 1000 Genomes Project 30x 0.00047; gnomAD 0.00112 and 0.00120; TOPMed 0.00119; gnomAD exomes 0.00120 and 0.00176; ExAC 0.00146; ESP Exome Variant Server 0.00258.
gnomAD v4.1: 2,700 of 1,610,250 alleles (0.17%); highest among the groups gnomAD compares: Non-Finnish European, 0.22%; 4 homozygotes.

Submissions (5):

Labcorp Genetics (formerly Invitae), Labcorp
Classification: Benign for Eichsfeld type congenital muscular dystrophy. Last evaluated: 2026-02-01. Review status: criteria provided, single submitter. Criteria: Invitae Variant Classification Sherloc (09022015). Collection method: clinical testing. Allele origin: germline.

Blueprint Genetics
Classification: Likely benign. Last evaluated: 2024-09-05. Review status: criteria provided, single submitter. Criteria: ACMG Guidelines, 2015. Collection method: clinical testing. Allele origin: germline.

Illumina Laboratory Services, Illumina
Classification: Uncertain significance for SEPN1-Related Disorders. Last evaluated: 2018-01-13. Review status: criteria provided, single submitter. Criteria: ICSL Variant Classification Criteria 13 December 2019. Collection method: clinical testing. Allele origin: germline.

GeneDx
Classification: Likely benign. Last evaluated: 2016-10-26. Review status: criteria provided, single submitter. Criteria: GeneDx Variant Classification (06012015). Collection method: clinical testing. Allele origin: germline. Affected: yes.
Comment: This variant is considered likely benign or benign based on one or more of the following criteria: it is a conservative change, it occurs at a poorly conserved position in the protein, it is predicted to be benign by multiple in silico algorithms, and/or has population frequency not consistent with disease.

PreventionGenetics, part of Exact Sciences
Classification: Likely benign. Review status: criteria provided, single submitter. Criteria: ACMG Guidelines, 2015. Collection method: clinical testing. Allele origin: germline.

NM_206926.2(SELENON):c.1500+14C>T

Gene: SELENON (selenoprotein N; plus strand). Cytogenetic location: 1p36.11.
Variant type: single nucleotide variant.
Coding change: c.1500+14C>T on transcript NM_206926.2 (MANE Select); 14 bases into the intron after coding-DNA position 1500, C replaced by T.
Molecular consequence: intron variant.
Genome position (GRCh38, 1-based): chr1:25,814,192, C>T. VCF-style: chr1-25814192-C-T. GRCh37 (hg19) VCF-style: chr1-26140683-C-T.
Other names: c.1602+14C>T (NM_020451.3).
Identifiers: ClinVar variation 261277 (VCV000261277.14), dbSNP rs41284307, ClinGen allele CA696930.